The following is an entry in ClinVar:

NM_001378454.1(ALMS1):c.7270G>A (p.Gly2424Ser)

Gene: ALMS1 (ALMS1 centrosome and basal body associated protein; plus strand). Cytogenetic location: 2p13.1.
Variant type: single nucleotide variant.
Coding change: c.7270G>A on transcript NM_001378454.1 (MANE Select); coding-DNA position 7270, G replaced by A.
Protein change: p.Gly2424Ser; replaces glycine 2424 with serine.
Molecular consequence: missense variant.
Genome position (GRCh38, 1-based): chr2:73,453,797, G>A. VCF-style: chr2-73453797-G-A. GRCh37 (hg19) VCF-style: chr2-73680924-G-A.
Other names: c.7273G>A, p.Gly2425Ser (NM_015120.4); short protein forms G2424S, G2425S.
Identifiers: ClinVar variation 1758025 (VCV001758025.2), dbSNP rs1036423279, ClinGen allele CA50398445.
Genomic context (GRCh38, chr2:73,453,797, plus strand): 5'-ATTATCCCTATGATGACTGTCATAAAAAGTGATTCAAGTAGTGATGCCAGTGATGGAAAT[G>A]GTTCCTGCTCGTGGGACAGTAATTTACCAGAGTCTTTGGAATCAGTTTCTGATGTTCTTC-3'
Protein context (NP_001365383.1, residues 2414-2434): DSSSDASDGN[Gly2424Ser]SCSWDSNLPE

ClinVar aggregate classification (germline): Uncertain significance (1 of 4 stars; one submission).

Conditions:
Cardiovascular phenotype. Identifiers: MedGen CN230736.

Allele frequency attached by ClinVar (database versions not stated): gnomAD exomes below 0.00001.
gnomAD v4.1: 1 of 1,614,124 alleles (0.000062%); highest among the groups gnomAD compares: African/African-American, 0.0013%; no homozygotes.

Submission:

Ambry Genetics
Classification: Uncertain significance for Cardiovascular phenotype. Last evaluated: 2020-01-31. Review status: criteria provided, single submitter. Criteria: Ambry Variant Classification Scheme 2023. Collection method: clinical testing. Allele origin: germline.
Comment: The p.G2425S variant (also known as c.7273G>A), located in coding exon 8 of the ALMS1 gene, results from a G to A substitution at nucleotide position 7273. The glycine at codon 2425 is replaced by serine, an amino acid with similar properties. This amino acid position is well conserved in available vertebrate species. In addition, this alteration is predicted to be tolerated by in silico analysis. Since supporting evidence is limited at this time, the clinical significance of this alteration remains unclear.